The following is an entry in ClinVar:

ClinVar aggregate classification (germline): Uncertain significance (1 of 4 stars; one submission).

Submission:

Labcorp Genetics (formerly Invitae), Labcorp
Classification: Uncertain significance. Last evaluated: 2024-05-26. Review status: criteria provided, single submitter. Criteria: Invitae Variant Classification Sherloc (09022015). Collection method: clinical testing. Allele origin: germline.
Comment: This sequence change replaces serine, which is neutral and polar, with proline, which is neutral and non-polar, at codon 957 of the DSG1 protein (p.Ser957Pro). This variant is not present in population databases (gnomAD no frequency). This variant has not been reported in the literature in individuals affected with DSG1-related conditions. ClinVar contains an entry for this variant (Variation ID: 2092828). An algorithm developed to predict the effect of missense changes on protein structure and function (PolyPhen-2) suggests that this variant is likely to be disruptive. In summary, the available evidence is currently insufficient to determine the role of this variant in disease. Therefore, it has been classified as a Variant of Uncertain Significance.

NM_001942.4(DSG1):c.2869T>C (p.Ser957Pro)

Genes: DSG1 (desmoglein 1; plus strand), DSG1-AS1 (DSG1 antisense RNA 1; minus strand). Cytogenetic location: 18q12.1.
Variant type: single nucleotide variant.
Coding change: c.2869T>C on transcript NM_001942.4 (MANE Select); coding-DNA position 2869, T replaced by C.
Protein change: p.Ser957Pro; replaces serine 957 with proline.
Molecular consequence: missense variant.
Genome position (GRCh38, 1-based): chr18:31,355,065, T>C. VCF-style: chr18-31355065-T-C. GRCh37 (hg19) VCF-style: chr18-28935028-T-C.
Other names: short protein forms S957P.
Identifiers: ClinVar variation 2092828 (VCV002092828.4), dbSNP rs2510846323, ClinGen allele CA402124895.